The following is an entry in ClinVar:

ClinVar aggregate classification (germline): Uncertain significance. Review status: criteria provided, multiple submitters, no conflicts (2 of 4 stars). 2 submissions from 2 submitters: Uncertain significance (2). Last evaluated 2024-03-18.

Conditions:
Inborn genetic diseases. Identifiers: MedGen C0950123, MeSH D030342.

Allele frequency attached by ClinVar (database versions not stated): ExAC 0.00003; gnomAD exomes 0.00003; gnomAD 0.00005 and 0.00006.
gnomAD v4.1: 26 of 1,613,762 alleles (0.0016%); highest among the groups gnomAD compares: South Asian, 0.0099%; no homozygotes.

Submissions (2):

Ambry Genetics
Classification: Uncertain significance for Inborn genetic diseases. Last evaluated: 2024-03-18. Review status: criteria provided, single submitter. Criteria: Ambry Variant Classification Scheme 2023. Collection method: clinical testing. Allele origin: germline.

Labcorp Genetics (formerly Invitae), Labcorp
Classification: Uncertain significance. Last evaluated: 2022-07-19. Review status: criteria provided, single submitter. Criteria: Invitae Variant Classification Sherloc (09022015). Collection method: clinical testing. Allele origin: germline.
Comment: This sequence change replaces alanine, which is neutral and non-polar, with threonine, which is neutral and polar, at codon 675 of the CDH23 protein (p.Ala675Thr). This variant is present in population databases (rs376039927, gnomAD 0.01%). This variant has not been reported in the literature in individuals affected with CDH23-related conditions. ClinVar contains an entry for this variant (Variation ID: 1375051). Algorithms developed to predict the effect of missense changes on protein structure and function are either unavailable or do not agree on the potential impact of this missense change (SIFT: "Deleterious"; PolyPhen-2: "Not Available"; Align-GVGD: "Class C0"). In summary, the available evidence is currently insufficient to determine the role of this variant in disease. Therefore, it has been classified as a Variant of Uncertain Significance.

NM_022124.6(CDH23):c.2023G>A (p.Ala675Thr)

Gene: CDH23 (cadherin related 23; plus strand). Cytogenetic location: 10q22.1.
Variant type: single nucleotide variant.
Coding change: c.2023G>A on transcript NM_022124.6 (MANE Select); coding-DNA position 2023, G replaced by A.
Protein change: p.Ala675Thr; replaces alanine 675 with threonine.
Molecular consequence: missense variant.
Genome position (GRCh38, 1-based): chr10:71,687,683, G>A. VCF-style: chr10-71687683-G-A. GRCh37 (hg19) VCF-style: chr10-73447440-G-A.
Other names: c.2023G>A, p.Ala675Thr (NM_001171930.2, NM_001171931.2); c.2023G>A (NM_022124.5); short protein forms A675T.
Identifiers: ClinVar variation 1375051 (VCV001375051.4), dbSNP rs376039927, ClinGen allele CA5544050.